The following is an entry in ClinVar:

ClinVar aggregate classification (germline): Uncertain significance (1 of 4 stars; one submission).

Allele frequency attached by ClinVar (database versions not stated): TOPMed 0.00001.
gnomAD v4.1: 5 of 1,614,216 alleles (0.00031%); highest among the groups gnomAD compares: South Asian, 0.0033%; no homozygotes.

Submission:

Labcorp Genetics (formerly Invitae), Labcorp
Classification: Uncertain significance. Last evaluated: 2025-03-31. Review status: criteria provided, single submitter. Criteria: Invitae Variant Classification Sherloc (09022015). Collection method: clinical testing. Allele origin: germline.
Comment: This sequence change replaces valine, which is neutral and non-polar, with methionine, which is neutral and non-polar, at codon 550 of the HYOU1 protein (p.Val550Met). This variant is present in population databases (rs781971601, gnomAD 0.004%). This variant has not been reported in the literature in individuals affected with HYOU1-related conditions. ClinVar contains an entry for this variant (Variation ID: 1961675). An algorithm developed to predict the effect of missense changes on protein structure and function (PolyPhen-2) suggests that this variant is likely to be disruptive. In summary, the available evidence is currently insufficient to determine the role of this variant in disease. Therefore, it has been classified as a Variant of Uncertain Significance.

NM_006389.5(HYOU1):c.1648G>A (p.Val550Met)

Gene: HYOU1 (hypoxia up-regulated 1; minus strand). Cytogenetic location: 11q23.3.
Variant type: single nucleotide variant.
Coding change: c.1648G>A on transcript NM_006389.5 (MANE Select); coding-DNA position 1648, G replaced by A.
Protein change: p.Val550Met; replaces valine 550 with methionine.
Molecular consequence: missense variant.
Genome position (GRCh38, 1-based): chr11:119,051,052, C>T on the plus strand (G>A on the coding strand, the complement: HYOU1 is on the minus strand). VCF-style: chr11-119051052-C-T. GRCh37 (hg19) VCF-style: chr11-118921764-C-T.
Other names: c.1648G>A, p.Val550Met (NM_001130991.3, NM_001411041.1); short protein forms V550M.
Identifiers: ClinVar variation 1961675 (VCV001961675.5), dbSNP rs781971601, ClinGen allele CA229621380.
Genomic context (GRCh38, chr11:119,051,052, plus strand): 5'-CCTGAGCCCCTGCTCTGCACACAGGGTATCCTTTAGCTCTCACCCTGTCTAGACTGAGCA[C>T]GCCACTCTCATCCAGGTTGAAGTGAGCCTTGATGCCCTTGGACTCGTAGTCAGGATACTT-3'
Protein context (NP_006380.1, residues 540-560): KAHFNLDESG[Val550Met]LSLDRVESVF